The following is an entry in ClinVar:

ClinVar aggregate classification (germline): Benign (1 of 4 stars; one submission).

Conditions:
SPTBN4-related disorder. Also called: SPTBN4-related condition.

gnomAD v4.1: 24,777 of 1,508,834 alleles (1.6%); highest among the groups gnomAD compares: South Asian, 3.4%; 281 homozygotes.

Submission:

PreventionGenetics, part of Exact Sciences
Classification: Benign for SPTBN4-related condition. Last evaluated: 2025-01-25. Review status: criteria provided, single submitter. Criteria: ACMG Guidelines, 2015. Collection method: clinical testing. Allele origin: germline.
Comment: This variant is classified as benign based on ACMG/AMP sequence variant interpretation guidelines (Richards et al. 2015 PMID: 25741868, with internal and published modifications).

NM_020971.3(SPTBN4):c.6477C>T (p.Pro2159=)

Gene: SPTBN4 (spectrin beta, non-erythrocytic 4; plus strand). Cytogenetic location: 19q13.2.
Variant type: single nucleotide variant.
Coding change: c.6477C>T on transcript NM_020971.3 (MANE Select); coding-DNA position 6477, C replaced by T.
Protein change: p.Pro2159=; no amino-acid change (proline 2159 retained).
Molecular consequence: synonymous variant.
Genome position (GRCh38, 1-based): chr19:40,567,803, C>T. VCF-style: chr19-40567803-C-T. GRCh37 (hg19) VCF-style: chr19-41073709-C-T.
Identifiers: ClinVar variation 4980389 (VCV004980389.1).